The following is an entry in ClinVar:

ClinVar aggregate classification (germline): Likely pathogenic (1 of 4 stars; one submission).

Conditions:
COL4A5-related disorder. Also called: COL4A5-related condition.

Submission:

PreventionGenetics, part of Exact Sciences
Classification: Likely pathogenic for COL4A5-related condition. Last evaluated: 2023-04-13. Review status: criteria provided, single submitter. Criteria: ACMG Guidelines, 2015. Collection method: clinical testing. Allele origin: germline.
Comment: The COL4A5 c.142_143dupGG variant is predicted to result in a frameshift and premature protein termination (p.Gly51Glufs*105). To our knowledge, this variant has not been reported in the literature or in a large population database, indicating this variant is rare. Frameshift variants in COL4A5 are expected to be pathogenic. This variant is interpreted as likely pathogenic.

NM_000495.4(COL4A5):c.142_143dupGG

Gene: COL4A5 (collagen type IV alpha 5 chain; plus strand). Cytogenetic location: Xq22.3.
Variant type: Duplication.
Coding change: c.142_143dupGG on transcript NM_000495.4; coding-DNA positions 142 to 143, 2 bases duplicated (GG).
Genome position (GRCh38, 1-based): chrX:108,559,064-108,559,065, GG duplicated; duplicating any 2 consecutive bases within chrX:108,559,063-108,559,065 gives the same sequence; the c. name uses the placement nearest the transcript's 3' end. VCF-style (leftmost placement, unchanged base first): chrX-108559062-A-AGG. GRCh37 (hg19) VCF-style: chrX-107802292-A-AGG.
Identifiers: ClinVar variation 2633781 (VCV002633781.1), dbSNP rs2524162250, ClinGen allele CA2695197172.
Genomic context (GRCh38, chrX:108,559,062, plus strand): 5'-CAACCATGCCTGTGCTTGAAAATTCACAAATGACCTTACCTTTCATTCTCATTTAATTGC[A>AGG]GGGAGAGAGAGGGTTTCCAGGTTTGGAAGGACACCCAGGATTGCCTGGATTTCCAGGTCC-3'